The following is an entry in ClinVar:

NM_007055.4(POLR3A):c.1825G>A (p.Asp609Asn)

Gene: POLR3A (RNA polymerase III subunit A; minus strand). Cytogenetic location: 10q22.3.
Variant type: single nucleotide variant.
Coding change: c.1825G>A on transcript NM_007055.4 (MANE Select); coding-DNA position 1825, G replaced by A.
Protein change: p.Asp609Asn; replaces aspartic acid 609 with asparagine.
Molecular consequence: missense variant.
Genome position (GRCh38, 1-based): chr10:78,009,621, C>T on the plus strand (G>A on the coding strand, the complement: POLR3A is on the minus strand). VCF-style: chr10-78009621-C-T. GRCh37 (hg19) VCF-style: chr10-79769379-C-T.
Other names: short protein forms D609N.
Identifiers: ClinVar variation 1940682 (VCV001940682.5), dbSNP rs776291067, ClinGen allele CA5571301.

ClinVar aggregate classification (germline): Uncertain significance (1 of 4 stars; one submission).

Allele frequency attached by ClinVar (database versions not stated): gnomAD exomes below 0.00001; ExAC 0.00001.
gnomAD v4.1: 6 of 1,614,142 alleles (0.00037%); highest among the groups gnomAD compares: South Asian, 0.0022%; no homozygotes.

Submission:

Labcorp Genetics (formerly Invitae), Labcorp
Classification: Uncertain significance. Last evaluated: 2022-08-11. Review status: criteria provided, single submitter. Criteria: Invitae Variant Classification Sherloc (09022015). Collection method: clinical testing. Allele origin: germline.
Comment: This variant is present in population databases (rs776291067, gnomAD 0.0009%). In summary, the available evidence is currently insufficient to determine the role of this variant in disease. Therefore, it has been classified as a Variant of Uncertain Significance. Algorithms developed to predict the effect of missense changes on protein structure and function output the following: SIFT: "Tolerated"; PolyPhen-2: "Benign"; Align-GVGD: "Class C0". The asparagine amino acid residue is found in multiple mammalian species, which suggests that this missense change does not adversely affect protein function. This variant has not been reported in the literature in individuals affected with POLR3A-related conditions. This sequence change replaces aspartic acid, which is acidic and polar, with asparagine, which is neutral and polar, at codon 609 of the POLR3A protein (p.Asp609Asn).